The following is an entry in ClinVar:

ClinVar aggregate classification (germline): Uncertain significance. Review status: criteria provided, multiple submitters, no conflicts (2 of 4 stars). 3 submissions from 3 submitters: Uncertain significance (3). Last evaluated 2025-04-15.

Allele frequency attached by ClinVar (database versions not stated): gnomAD 0.00001; gnomAD exomes 0.00001; ExAC 0.00002; TOPMed 0.00002; ESP Exome Variant Server 0.00008.
gnomAD v4.1: 13 of 1,613,942 alleles (0.00081%); highest among the groups gnomAD compares: African/African-American, 0.0053%; no homozygotes.

Submissions (3):

Women's Health and Genetics/Laboratory Corporation of America, LabCorp
Classification: Uncertain significance. Last evaluated: 2025-04-15. Review status: criteria provided, single submitter. Criteria: LabCorp Variant Classification Summary - May 2015. Collection method: clinical testing. Allele origin: germline.
Comment: Variant summary: HBB c.*4C>T is located in the untranslated mRNA region downstream of the termination codon. The variant allele was found at a frequency of 2e-05 in 251374 control chromosomes. The available data on variant occurrences in the general population are insufficient to allow any conclusion about variant significance. c.*4C>T has been observed in at least one individual affected with Beta Thalassemia with a second variant, phase unknown (e.g. Xinh_2022). This report does not provide unequivocal conclusions about association of the variant with Beta Thalassemia. To our knowledge, no experimental evidence demonstrating an impact on protein function has been reported. The following publication has been ascertained in the context of this evaluation (PMID: 35023007). ClinVar contains an entry for this variant (Variation ID: 2681971). Based on the evidence outlined above, the variant was classified as uncertain significance.

Genetics Laboratory, Al-Manara University for Medical Sciences
Classification: Uncertain significance. Last evaluated: 2024-05-24. Review status: criteria provided, single submitter. Criteria: ACMG Guidelines, 2015. Collection method: research. Allele origin: germline.
Comment: The HBB c.*4C>T (3'UTR +4 C>T) variant is located in the untranslated region of the mRNA downstream of the stop codon. It has a frequency of 2x10^-5 in a population of 251,374 control chromosomes. Currently, there is insufficient data on this variant in the general population to determine its clinical significance definitively. The c.*4C>T variant has been identified in at least one individual with beta thalassemia; however, a second variant was also present, and its phase is unknown (PMID: 35023007). Consequently, this report does not establish a conclusive link between the variant and beta thalassemia. No experimental evidence has demonstrated an impact on protein function to date. ClinVar records the variant under the accession numbers SCV004219841.1 and SCV006073624.1.73624.1. Based on the available evidence, this variant is classified as of uncertain significance.

Quest Diagnostics Nichols Institute San Juan Capistrano
Classification: Uncertain significance. Last evaluated: 2023-03-03. Review status: criteria provided, single submitter. Criteria: Quest Diagnostics criteria. Collection method: clinical testing. Allele origin: unknown.
Comment: The frequency of this variant in the general population, 0.00016 (4/24966 chromosomes), is uninformative in assessment of its pathogenicity. In the published literature, the variant has been reported in a heterozygous individual affected with mild anemia (PMID: 35023007 (2022)). Based on the available information, we are unable to determine the clinical significance of this variant.

Literature cited by the submitters: PubMed 35023007 (cited by 3 submitters).

NM_000518.5(HBB):c.*4C>T

Genes: HBB (hemoglobin subunit beta; minus strand), LOC107133510 (origin of replication at HBB; plus strand), LOC110006319 (beta-globin gene 3' regulatory region; plus strand). Cytogenetic location: 11p15.4.
Variant type: single nucleotide variant.
Coding change: c.*4C>T on transcript NM_000518.5 (MANE Select); 4 bases downstream of the stop codon, C replaced by T.
Molecular consequence: 3 prime UTR variant.
Genome position (GRCh38, 1-based): chr11:5,225,594, G>A on the plus strand (C>T on the coding strand, the complement: HBB is on the minus strand). VCF-style: chr11-5225594-G-A. GRCh37 (hg19) VCF-style: chr11-5246824-G-A.
Identifiers: ClinVar variation 2681971 (VCV002681971.4), dbSNP rs372503204, ClinGen allele CA5839685.